The following is an entry in ClinVar:

NM_182961.4(SYNE1):c.436C>G (p.Gln146Glu)

Gene: SYNE1 (spectrin repeat containing nuclear envelope protein 1; minus strand). Cytogenetic location: 6q25.2.
Variant type: single nucleotide variant.
Coding change: c.436C>G on transcript NM_182961.4 (MANE Select); coding-DNA position 436, C replaced by G.
Protein change: p.Gln146Glu; replaces glutamine 146 with glutamic acid.
Molecular consequence: missense variant.
Genome position (GRCh38, 1-based): chr6:152,510,338, G>C on the plus strand (C>G on the coding strand, the complement: SYNE1 is on the minus strand). VCF-style: chr6-152510338-G-C. GRCh37 (hg19) VCF-style: chr6-152831473-G-C.
Other names: c.457C>G, p.Gln153Glu (NM_033071.5); c.457C>G (NM_033071.3); short protein forms Q146E, Q153E.
Identifiers: ClinVar variation 1483027 (VCV001483027.11), dbSNP rs1302474521, ClinGen allele CA366150689.

ClinVar aggregate classification (germline): Uncertain significance. Review status: criteria provided, multiple submitters, no conflicts (2 of 4 stars). 2 submissions from 2 submitters: Uncertain significance (2). Last evaluated 2025-03-04.

Conditions:
Autosomal recessive ataxia, Beauce type. Also called: SYNE1-Related Autosomal Recessive Cerebellar Ataxia; Spinocerebellar ataxia, autosomal recessive 8; ATAXIA, RECESSIVE, OF BEAUCE; SYNE1 Deficiency. Identifiers: Orphanet 88644, MedGen C1853116, MONDO:0012549, OMIM 610743.
Emery-Dreifuss muscular dystrophy 4, autosomal dominant (EDMD4). Also called: EMERY-DREIFUSS MUSCULAR DYSTROPHY 4 WITH VARIABLE FEATURES. Identifiers: Orphanet 261, MedGen C2751807, MONDO:0013071, OMIM 612998.

Allele frequency attached by ClinVar (database versions not stated): gnomAD 0.00001; TOPMed 0.00001.
gnomAD v4.1: 42 of 1,613,868 alleles (0.0026%); highest among the groups gnomAD compares: Non-Finnish European, 0.0034%; no homozygotes.

Submissions (2):

Labcorp Genetics (formerly Invitae), Labcorp
Classification: Uncertain significance for Emery-Dreifuss muscular dystrophy 4, autosomal dominant; Autosomal recessive ataxia, Beauce type. Last evaluated: 2025-03-04. Review status: criteria provided, single submitter. Criteria: Invitae Variant Classification Sherloc (09022015). Collection method: clinical testing. Allele origin: germline.
Comment: This sequence change replaces glutamine, which is neutral and polar, with glutamic acid, which is acidic and polar, at codon 153 of the SYNE1 protein (p.Gln153Glu). This variant is present in population databases (no rsID available, gnomAD 0.002%). This variant has not been reported in the literature in individuals affected with SYNE1-related conditions. ClinVar contains an entry for this variant (Variation ID: 1483027). An algorithm developed to predict the effect of missense changes on protein structure and function (PolyPhen-2) suggests that this variant is likely to be tolerated. In summary, the available evidence is currently insufficient to determine the role of this variant in disease. Therefore, it has been classified as a Variant of Uncertain Significance.

Revvity Omics, Revvity
Classification: Uncertain significance. Last evaluated: 2022-03-31. Review status: criteria provided, single submitter. Criteria: ACMG Guidelines, 2015. Collection method: clinical testing. Allele origin: germline.